The following is an entry in ClinVar:

NM_022489.4(INF2):c.3041-3C>T

Gene: INF2 (inverted formin 2; plus strand). Cytogenetic location: 14q32.33.
Variant type: single nucleotide variant.
Coding change: c.3041-3C>T on transcript NM_022489.4 (MANE Select); 3 bases into the intron before coding-DNA position 3041, C replaced by T.
Molecular consequence: intron variant.
Genome position (GRCh38, 1-based): chr14:104,714,200, C>T. VCF-style: chr14-104714200-C-T. GRCh37 (hg19) VCF-style: chr14-105180537-C-T.
Other names: c.3041-3C>T (NM_001031714.4).
Identifiers: ClinVar variation 838078 (VCV000838078.9), dbSNP rs1157403781, ClinGen allele CA703408425.

ClinVar aggregate classification (germline): Uncertain significance (1 of 4 stars; one submission).

Conditions:
Focal segmental glomerulosclerosis 5 (FSGS5). Identifiers: Orphanet 656, MedGen C2750475, MONDO:0013191, OMIM 613237.
Charcot-Marie-Tooth disease dominant intermediate E. Also called: CHARCOT-MARIE-TOOTH NEUROPATHY WITH FOCAL SEGMENTAL GLOMERULONEPHRITIS. Identifiers: Orphanet 93114, MedGen C4302667, MONDO:0013758, OMIM 614455.

Allele frequency attached by ClinVar (database versions not stated): TOPMed below 0.00001; gnomAD 0.00001.

Submission:

Labcorp Genetics (formerly Invitae), Labcorp
Classification: Uncertain significance for Charcot-Marie-Tooth disease dominant intermediate E; Focal segmental glomerulosclerosis 5. Last evaluated: 2022-03-03. Review status: criteria provided, single submitter. Criteria: Invitae Variant Classification Sherloc (09022015). Collection method: clinical testing. Allele origin: germline.
Comment: In summary, the available evidence is currently insufficient to determine the role of this variant in disease. Therefore, it has been classified as a Variant of Uncertain Significance. Variants that disrupt the consensus splice site are a relatively common cause of aberrant splicing (PMID: 17576681, 9536098). Algorithms developed to predict the effect of sequence changes on RNA splicing suggest that this variant is not likely to affect RNA splicing. ClinVar contains an entry for this variant (Variation ID: 838078). This variant has not been reported in the literature in individuals affected with INF2-related conditions. This variant is not present in population databases (gnomAD no frequency). This sequence change falls in intron 20 of the INF2 gene. It does not directly change the encoded amino acid sequence of the INF2 protein. It affects a nucleotide within the consensus splice site.

Literature cited by the submitters: PubMed 17576681; PubMed 9536098.